The following is an entry in ClinVar:

NM_000051.4(ATM):c.7849_7858delinsAGGTCTCCTTTGAGTGCCTCA (p.Val2617fs)

Genes: ATM (ATM serine/threonine kinase; plus strand), C11orf65 (chromosome 11 open reading frame 65; minus strand). Cytogenetic location: 11q22.3.
Variant type: Indel.
Coding change: c.7849_7858delinsAGGTCTCCTTTGAGTGCCTCA on transcript NM_000051.4 (MANE Select); coding-DNA positions 7849 to 7858, GTCAGAAGTG replaced by AGGTCTCCTTTGAGTGCCTCA.
Protein change: p.Val2617fs; shifts the reading frame from valine 2617.
Molecular consequence: frameshift variant. On other transcripts: intron variant (2).
Genome position (GRCh38, 1-based): chr11:108,332,822-108,332,831, GTCAGAAGTG replaced by AGGTCTCCTTTGAGTGCCTCA. VCF-style: chr11-108332822-GTCAGAAGTG-AGGTCTCCTTTGAGTGCCTCA. GRCh37 (hg19) VCF-style: chr11-108203549-GTCAGAAGTG-AGGTCTCCTTTGAGTGCCTCA.
Other names: c.7849_7858delinsAGGTCTCCTTTGAGTGCCTCA, p.Val2617fs (NM_001351834.2); c.641-23760_641-23751delinsTGAGGCACTCAAAGGAGACCT (NM_001330368.2); c.*38+2389_*38+2398delinsTGAGGCACTCAAAGGAGACCT (NM_001351110.2); short protein forms V2617fs.
Identifiers: ClinVar variation 3967624 (VCV003967624.1).

ClinVar aggregate classification (germline): Pathogenic (1 of 4 stars; one submission).

Conditions:
Hereditary cancer-predisposing syndrome. Also called: Neoplastic Syndromes, Hereditary; Tumor predisposition; Hereditary Cancer Syndrome; Hereditary neoplastic syndrome. Identifiers: Orphanet 140162, MedGen C0027672, MeSH D009386, MONDO:0015356.

Submission:

Ambry Genetics
Classification: Pathogenic for Hereditary cancer-predisposing syndrome. Last evaluated: 2025-06-09. Review status: criteria provided, single submitter. Criteria: Ambry Variant Classification Scheme 2023. Collection method: clinical testing. Allele origin: germline.
Comment: The c.7849_7858del10ins21 pathogenic mutation, located in coding exon 52 of the ATM gene, results from the deletion of 10 nucleotides and insertion of 21 nucleotides (AGGTCTCCTTTGAGTGCCTCA) causing a translational frameshift with a predicted alternate stop codon (p.V2617Rfs*18). This variant is considered to be rare based on population cohorts in the Genome Aggregation Database (gnomAD). This alteration is expected to result in loss of function by premature protein truncation or nonsense-mediated mRNA decay. As such, this alteration is interpreted as a disease-causing mutation.